The following is an entry in ClinVar:

NM_018943.3(TUBA8):c.298G>A (p.Ala100Thr)

Gene: TUBA8 (tubulin alpha 8; plus strand). Cytogenetic location: 22q11.21.
Variant type: single nucleotide variant.
Coding change: c.298G>A on transcript NM_018943.3 (MANE Select); coding-DNA position 298, G replaced by A.
Protein change: p.Ala100Thr; replaces alanine 100 with threonine.
Molecular consequence: missense variant.
Genome position (GRCh38, 1-based): chr22:18,124,227, G>A. VCF-style: chr22-18124227-G-A. GRCh37 (hg19) VCF-style: chr22-18606994-G-A.
Other names: c.100G>A, p.Ala34Thr (NM_001193414.2); short protein forms A100T, A34T.
Identifiers: ClinVar variation 4782247 (VCV004782247.1).

ClinVar aggregate classification (germline): Uncertain significance (1 of 4 stars; one submission).

gnomAD v4.1: 5 of 1,614,082 alleles (0.00031%); highest among the groups gnomAD compares: Admixed American, 0.0083%; no homozygotes.

Submission:

Labcorp Genetics (formerly Invitae), Labcorp
Classification: Uncertain significance. Last evaluated: 2026-02-01. Review status: criteria provided, single submitter. Criteria: Invitae Variant Classification Sherloc (09022015). Collection method: clinical testing. Allele origin: germline.
Comment: This sequence change replaces alanine, which is neutral and non-polar, with threonine, which is neutral and polar, at codon 100 of the TUBA8 protein (p.Ala100Thr). This variant is present in population databases (rs758340778, gnomAD 0.006%). This variant has not been reported in the literature in individuals affected with TUBA8-related conditions. Invitae Evidence Modeling of protein sequence and biophysical properties (such as structural, functional, and spatial information, amino acid conservation, physicochemical variation, residue mobility, and thermodynamic stability) indicates that this missense variant is expected to disrupt TUBA8 protein function with a positive predictive value of 80%. In summary, the available evidence is currently insufficient to determine the role of this variant in disease. Therefore, it has been classified as a Variant of Uncertain Significance.